The following is an entry in ClinVar:

NM_130837.3(OPA1):c.2179-1G>A

Gene: OPA1 (OPA1 mitochondrial dynamin like GTPase; plus strand). Cytogenetic location: 3q29.
Variant type: single nucleotide variant.
Coding change: c.2179-1G>A on transcript NM_130837.3 (MANE Select); the canonical splice acceptor site of the intron before coding-DNA position 2179, G replaced by A.
Molecular consequence: splice acceptor variant.
Genome position (GRCh38, 1-based): chr3:193,657,079, G>A. VCF-style: chr3-193657079-G-A. GRCh37 (hg19) VCF-style: chr3-193374868-G-A.
Other names: c.1642-1G>A (NM_001354664.2); c.1645-1G>A (NM_001354663.2); c.2068-1G>A (NM_130834.3); c.2125-1G>A (NM_130836.3); c.2014-1G>A (NM_015560.3); c.2071-1G>A (NM_130835.3); c.1960-1G>A (NM_130832.3); c.2017-1G>A (NM_130833.3); and 1 more.
Identifiers: ClinVar variation 1465885 (VCV001465885.8), dbSNP rs2109163061, ClinGen allele CA355791348.

ClinVar aggregate classification (germline): Pathogenic (1 of 4 stars; one submission).

Submission:

Labcorp Genetics (formerly Invitae), Labcorp
Classification: Pathogenic. Last evaluated: 2022-01-14. Review status: criteria provided, single submitter. Criteria: Invitae Variant Classification Sherloc (09022015). Collection method: clinical testing. Allele origin: germline.
Comment: This sequence change affects an acceptor splice site in intron 20 of the OPA1 gene. It is expected to disrupt RNA splicing. Variants that disrupt the donor or acceptor splice site typically lead to a loss of protein function (PMID: 16199547), and loss-of-function variants in OPA1 are known to be pathogenic (PMID: 11440988, 20157015, 20952381, 25012220). This variant is not present in population databases (gnomAD no frequency). Disruption of this splice site has been observed in individuals with autosomal dominant optic atrophy (PMID: 16323009, 33841295). Algorithms developed to predict the effect of sequence changes on RNA splicing suggest that this variant may disrupt the consensus splice site. For these reasons, this variant has been classified as Pathogenic.

Literature cited by the submitters: PubMed 16199547; PubMed 11440988; PubMed 20157015; PubMed 20952381; PubMed 25012220; PubMed 16323009; PubMed 33841295.